The following is an entry in ClinVar:

NM_004958.4(MTOR):c.605A>G (p.Lys202Arg)

Gene: MTOR (mechanistic target of rapamycin kinase; minus strand). Cytogenetic location: 1p36.22.
Variant type: single nucleotide variant.
Coding change: c.605A>G on transcript NM_004958.4 (MANE Select); coding-DNA position 605, A replaced by G.
Protein change: p.Lys202Arg; replaces lysine 202 with arginine.
Genome position (GRCh38, 1-based): chr1:11,256,092, T>C on the plus strand (A>G on the coding strand, the complement: MTOR is on the minus strand). VCF-style: chr1-11256092-T-C. GRCh37 (hg19) VCF-style: chr1-11316149-T-C.
Other names: c.605A>G, p.Lys202Arg (NM_001386500.1); c.-535A>G (NM_001386501.1); short protein forms K202R.
Identifiers: ClinVar variation 1691812 (VCV001691812.2), dbSNP rs2100975122, ClinGen allele CA338402957.
Genomic context (GRCh38, chr1:11,256,092, plus strand): 5'-TGGGTTGTGAGAATCAGACAGGCACGAAGGGCGGCTACAGCTCCCTCACGGATGGCCTGT[T>C]TGGGGTCCCACACGGCCACAAAAATGTTGTCAAAGAAGGGTTGCACTTGCTGGAAGAAGA-3'
Protein context (NP_004949.1, residues 192-212): DNIFVAVWDP[Lys202Arg]QAIREGAVAA

ClinVar aggregate classification (germline): Uncertain significance (1 of 4 stars; one submission).

Submission:

GeneDx
Classification: Uncertain significance. Last evaluated: 2021-12-17. Review status: criteria provided, single submitter. Criteria: GeneDx Variant Classification Process June 2021. Collection method: clinical testing. Allele origin: germline. Affected: yes.
Comment: Not observed at significant frequency in large population cohorts (gnomAD); In silico analysis supports that this missense variant has a deleterious effect on protein structure/function; Has not been previously published as pathogenic or benign to our knowledge